The following is an entry in ClinVar:

NM_003705.5(SLC25A12):c.1054A>G (p.Thr352Ala)

Gene: SLC25A12 (solute carrier family 25 member 12; minus strand). Cytogenetic location: 2q31.1.
Variant type: single nucleotide variant.
Coding change: c.1054A>G on transcript NM_003705.5 (MANE Select); coding-DNA position 1054, A replaced by G.
Protein change: p.Thr352Ala; replaces threonine 352 with alanine.
Molecular consequence: missense variant. On other transcripts: non-coding transcript variant (1).
Genome position (GRCh38, 1-based): chr2:171,813,456, T>C on the plus strand (A>G on the coding strand, the complement: SLC25A12 is on the minus strand). VCF-style: chr2-171813456-T-C. GRCh37 (hg19) VCF-style: chr2-172669966-T-C.
Other names: short protein forms T352A.
Identifiers: ClinVar variation 2090818 (VCV002090818.4), dbSNP rs1683987754, ClinGen allele CA349290323.

ClinVar aggregate classification (germline): Uncertain significance (1 of 4 stars; one submission).

Allele frequency attached by ClinVar (database versions not stated): gnomAD exomes below 0.00001; TOPMed below 0.00001; gnomAD 0.00001.
gnomAD v4.1: 2 of 1,613,900 alleles (0.00012%); highest among the groups gnomAD compares: Non-Finnish European, 0.00017%; no homozygotes.

Submission:

Labcorp Genetics (formerly Invitae), Labcorp
Classification: Uncertain significance. Last evaluated: 2022-08-15. Review status: criteria provided, single submitter. Criteria: Invitae Variant Classification Sherloc (09022015). Collection method: clinical testing. Allele origin: germline.
Comment: In summary, the available evidence is currently insufficient to determine the role of this variant in disease. Therefore, it has been classified as a Variant of Uncertain Significance. Algorithms developed to predict the effect of missense changes on protein structure and function are either unavailable or do not agree on the potential impact of this missense change (SIFT: "Tolerated"; PolyPhen-2: "Possibly Damaging"; Align-GVGD: "Class C0"). This variant has not been reported in the literature in individuals affected with SLC25A12-related conditions. This variant is not present in population databases (gnomAD no frequency). This sequence change replaces threonine, which is neutral and polar, with alanine, which is neutral and non-polar, at codon 352 of the SLC25A12 protein (p.Thr352Ala).